The following is an entry in ClinVar:

ClinVar aggregate classification (germline): Conflicting classifications of pathogenicity. Review status: criteria provided, conflicting classifications (1 of 4 stars). 3 submissions from 2 submitters: Pathogenic (2); Likely benign (1). Last evaluated 2023-05-26.

Conditions:
Spinocerebellar ataxia 45. Identifiers: Orphanet 589527, MedGen C4540400, MONDO:0033480, OMIM 617769.
Hereditary diffuse gastric adenocarcinoma (HDGC). Also called: DIFFUSE GASTRIC AND LOBULAR BREAST CANCER SYNDROME. Identifiers: Orphanet 26106, MedGen C1708349, MONDO:0007648, OMIM 137215.
Familial cancer of breast. Also called: BREAST CANCER, FAMILIAL; hereditary breast carcinoma; Hereditary breast cancer. Identifiers: Orphanet 227535, MedGen C0346153, MONDO:0016419, OMIM 114480. Disease mechanism: loss of function.

Submissions (3):

Baylor Genetics
Classification: Pathogenic for Familial cancer of breast. Last evaluated: 2023-05-26. Review status: criteria provided, single submitter. Criteria: ACMG Guidelines, 2015. Collection method: clinical testing. Allele origin: unknown.

Dr. med. U. Finckh, Human Genetics, Eurofins MVZ
Classification: Pathogenic for Hereditary diffuse gastric adenocarcinoma. Last evaluated: 2022-08-03. Review status: criteria provided, single submitter. Criteria: ACMG Guidelines, 2015. Collection method: clinical testing. Allele origin: unknown. Observed: 1 heterozygote.

Dr. med. U. Finckh, Human Genetics, Eurofins MVZ
Classification: Likely benign for Spinocerebellar ataxia 45. Last evaluated: 2020-08-03. Review status: criteria provided, single submitter. Criteria: ACMG Guidelines, 2015. Collection method: clinical testing. Allele origin: paternal. Affected: no. Observed: 2 heterozygotes.

NM_004360.5(CDH1):c.1062del (p.Gly354_Leu355insTer)

Gene: CDH1 (cadherin 1; plus strand). Cytogenetic location: 16q22.1.
Variant type: Deletion.
Coding change: c.1062del on transcript NM_004360.5 (MANE Select); coding-DNA position 1062, one base deleted (G; older notation c.1062delG).
Protein change: p.Gly354_Leu355insTer.
Molecular consequence: frameshift variant. On other transcripts: 5 prime UTR variant (2).
Genome position (GRCh38, 1-based): chr16:68,812,188, G deleted; the last of 4 consecutive G bases (chr16:68,812,185-68,812,188); deleting any one gives the same sequence. VCF-style (leftmost placement, unchanged base first): chr16-68812184-AG-A. GRCh37 (hg19) VCF-style: chr16-68846087-AG-A.
Other names: c.1062del, p.Gly354_Leu355insTer (NM_001317184.2); c.-554del (NM_001317185.2); c.-758del (NM_001317186.2).
Identifiers: ClinVar variation 2580963 (VCV002580963.2), dbSNP rs2543924211, ClinGen allele CA2580618191.